The following is an entry in ClinVar:

NM_005612.5(REST):c.1934G>A (p.Arg645Gln)

Gene: REST (RE1 silencing transcription factor; plus strand). Cytogenetic location: 4q12.
Variant type: single nucleotide variant.
Coding change: c.1934G>A on transcript NM_005612.5 (MANE Select); coding-DNA position 1934, G replaced by A.
Protein change: p.Arg645Gln; replaces arginine 645 with glutamine.
Molecular consequence: missense variant.
Genome position (GRCh38, 1-based): chr4:56,930,792, G>A. VCF-style: chr4-56930792-G-A. GRCh37 (hg19) VCF-style: chr4-57796958-G-A.
Other names: c.1934G>A, p.Arg645Gln (NM_001193508.2, NM_001363453.3); short protein forms R645Q.
Identifiers: ClinVar variation 2379977 (VCV002379977.5), dbSNP rs761661933, ClinGen allele CA2932355.

ClinVar aggregate classification (germline): Conflicting classifications of pathogenicity. Review status: criteria provided, conflicting classifications (1 of 4 stars). 2 submissions from 2 submitters: Uncertain significance (1); Likely benign (1). Last evaluated 2023-08-11.

Conditions:
Inborn genetic diseases. Identifiers: MedGen C0950123, MeSH D030342.

Allele frequency attached by ClinVar (database versions not stated): gnomAD exomes 0.00001; TOPMed 0.00002; gnomAD 0.00003; ExAC 0.00004.
gnomAD v4.1: 16 of 1,605,340 alleles (0.001%); highest among the groups gnomAD compares: African/African-American, 0.0081%; no homozygotes.

Submissions (2):

Labcorp Genetics (formerly Invitae), Labcorp
Classification: Uncertain significance. Last evaluated: 2023-08-11. Review status: criteria provided, single submitter. Criteria: Invitae Variant Classification Sherloc (09022015). Collection method: clinical testing. Allele origin: germline.
Comment: In summary, the available evidence is currently insufficient to determine the role of this variant in disease. Therefore, it has been classified as a Variant of Uncertain Significance. Algorithms developed to predict the effect of missense changes on protein structure and function output the following: SIFT: "Not Available"; PolyPhen-2: "Benign"; Align-GVGD: "Not Available". The glutamine amino acid residue is found in multiple mammalian species, which suggests that this missense change does not adversely affect protein function. ClinVar contains an entry for this variant (Variation ID: 2379977). This variant has not been reported in the literature in individuals affected with REST-related conditions. This variant is present in population databases (rs761661933, gnomAD 0.01%). This sequence change replaces arginine, which is basic and polar, with glutamine, which is neutral and polar, at codon 645 of the REST protein (p.Arg645Gln).

Ambry Genetics
Classification: Likely benign for Inborn genetic diseases. Last evaluated: 2021-08-02. Review status: criteria provided, single submitter. Criteria: Ambry Variant Classification Scheme 2023. Collection method: clinical testing. Allele origin: germline.